The following is an entry in ClinVar:

NC_000009.11:g.(?_271607)_(328191_?)dup

Genes: DOCK8 (dedicator of cytokinesis 8; plus strand), LOC130001440 (ATAC-STARR-seq lymphoblastoid active region 28116; plus strand), LOC126860552 (BRD4-independent group 4 enhancer GRCh37_chr9:285795-286994; plus strand), LOC130001439 (ATAC-STARR-seq lymphoblastoid active region 28115; plus strand). Cytogenetic location: 9p24.3.
Variant type: Duplication.
Identifiers: ClinVar variation 536621 (VCV000536621.12).

ClinVar aggregate classification (germline): Likely pathogenic (1 of 4 stars; one submission).

Conditions:
Hyper-IgE recurrent infection syndrome 3, autosomal recessive. Also called: Autosomal recessive hyper-IgE syndrome due to ZNF341 deficiency; HYPER-IgE SYNDROME 3, AUTOSOMAL RECESSIVE, WITH RECURRENT INFECTIONS. Identifiers: Orphanet 641368, MedGen C4748969, MONDO:0032654, OMIM 618282.

Submission:

Labcorp Genetics (formerly Invitae), Labcorp
Classification: Likely pathogenic for Combined immunodeficiency due to DOCK8 deficiency. Last evaluated: 2023-12-22. Review status: criteria provided, single submitter. Criteria: Invitae Variant Classification Sherloc (09022015). Collection method: clinical testing. Allele origin: germline.
Comment: This variant results in a copy number gain of the genomic region encompassing exon(s) 2-9 of the DOCK8 gene. While the exact position of this variant cannot be determined from the data, sub-genic copy number gains are generally in tandem (PMID: 25640679). This variant is predicted to be out-of-frame, and may result in an absent or disrupted protein product. Loss-of-function variants in DOCK8 are known to be pathogenic (PMID: 14722525, 19776401). This variant has not been reported in the literature in individuals affected with DOCK8-related conditions. In summary, the currently available evidence indicates that the variant is pathogenic, but additional data are needed to prove that conclusively. Therefore, this variant has been classified as Likely Pathogenic.

Literature cited by the submitters: PubMed 25640679; PubMed 14722525; PubMed 19776401.